The following is an entry in ClinVar:

NM_000218.3(KCNQ1):c.1514+30563C>A

Genes: KCNQ1 (potassium voltage-gated channel subfamily Q member 1; plus strand), KCNQ1OT1 (KCNQ1 opposite strand/antisense transcript 1; minus strand). Cytogenetic location: 11p15.5.
Variant type: single nucleotide variant.
Coding change: c.1514+30563C>A on transcript NM_000218.3 (MANE Select); 30563 bases into the intron after coding-DNA position 1514, C replaced by A.
Molecular consequence: intron variant.
Genome position (GRCh38, 1-based): chr11:2,692,644, C>A. VCF-style: chr11-2692644-C-A. GRCh37 (hg19) VCF-style: chr11-2713874-C-A.
Other names: c.1244+30563C>A (NM_001406837.1); c.1418+30563C>A (NM_001406836.1); c.974+30563C>A (NM_001406838.1); c.1133+30563C>A (NM_181798.2).
Identifiers: ClinVar variation 1701167 (VCV001701167.31), dbSNP rs533706973, ClinGen allele CA216193677.
Genomic context (GRCh38, chr11:2,692,644, plus strand): 5'-CCCAGGCTAGTTCCAGTGGGTTCCTGCTATACACCTGCTGTGCTCCCAGGCCTCAGCACT[C>A]CCCTCAGGGTGCAAACGGTCCTTCAACATTAGTTAGTCTTTCTCCCCTTTGTCCACTAAC-3'

ClinVar aggregate classification (germline): Benign (1 of 4 stars; one submission).

Allele frequency attached by ClinVar (database versions not stated): gnomAD 0.00001 and 0.00005; TOPMed 0.00002; gnomAD exomes 0.00005.
gnomAD v4.1: 19 of 398,708 alleles (0.0048%); highest among the groups gnomAD compares: South Asian, 0.13%; no homozygotes.

Submission:

CeGaT Center for Human Genetics Tuebingen
Classification: Benign. Last evaluated: 2024-08-01. Review status: criteria provided, single submitter. Criteria: CeGaT Center For Human Genetics Tuebingen Variant Classification Criteria Version 2. Collection method: clinical testing. Allele origin: germline. Affected: yes. Observed: 2 variant alleles.
Comment: KCNQ1OT1: BS1, BS2